The following is an entry in ClinVar:

NM_020921.4(NIN):c.1655A>T (p.Asp552Val)

Gene: NIN (ninein; minus strand). Cytogenetic location: 14q22.1.
Variant type: single nucleotide variant.
Coding change: c.1655A>T on transcript NM_020921.4 (MANE Select); coding-DNA position 1655, A replaced by T.
Protein change: p.Asp552Val; replaces aspartic acid 552 with valine.
Molecular consequence: missense variant.
Genome position (GRCh38, 1-based): chr14:50,763,945, T>A on the plus strand (A>T on the coding strand, the complement: NIN is on the minus strand). VCF-style: chr14-50763945-T-A. GRCh37 (hg19) VCF-style: chr14-51230663-T-A.
Other names: c.1655A>T, p.Asp552Val (NM_016350.5, NM_182944.3, NM_182946.2); short protein forms D552V.
Identifiers: ClinVar variation 3650030 (VCV003650030.2).

ClinVar aggregate classification (germline): Uncertain significance (1 of 4 stars; one submission).

gnomAD v4.1: 1 of 1,614,112 alleles (0.000062%); highest among the groups gnomAD compares: Non-Finnish European, 0.000085%; no homozygotes.

Submission:

Labcorp Genetics (formerly Invitae), Labcorp
Classification: Uncertain significance. Last evaluated: 2024-04-15. Review status: criteria provided, single submitter. Criteria: Invitae Variant Classification Sherloc (09022015). Collection method: clinical testing. Allele origin: germline.
Comment: This sequence change replaces aspartic acid, which is acidic and polar, with valine, which is neutral and non-polar, at codon 552 of the NIN protein (p.Asp552Val). This variant is not present in population databases (gnomAD no frequency). This variant has not been reported in the literature in individuals affected with NIN-related conditions. An algorithm developed to predict the effect of missense changes on protein structure and function (PolyPhen-2) suggests that this variant is likely to be disruptive. In summary, the available evidence is currently insufficient to determine the role of this variant in disease. Therefore, it has been classified as a Variant of Uncertain Significance.